The following is an entry in ClinVar:

NM_001999.4(FBN2):c.2363G>A (p.Arg788His)

Gene: FBN2 (fibrillin 2; minus strand). Cytogenetic location: 5q23.3.
Variant type: single nucleotide variant.
Coding change: c.2363G>A on transcript NM_001999.4 (MANE Select); coding-DNA position 2363, G replaced by A.
Protein change: p.Arg788His; replaces arginine 788 with histidine.
Molecular consequence: missense variant.
Genome position (GRCh38, 1-based): chr5:128,364,665, C>T on the plus strand (G>A on the coding strand, the complement: FBN2 is on the minus strand). VCF-style: chr5-128364665-C-T. GRCh37 (hg19) VCF-style: chr5-127700358-C-T.
Other names: short protein forms R788H.
Identifiers: ClinVar variation 258510 (VCV000258510.13), dbSNP rs368116715, ClinGen allele CA3395570.

ClinVar aggregate classification (germline): Conflicting classifications of pathogenicity. Review status: criteria provided, conflicting classifications (1 of 4 stars). 5 submissions from 5 submitters: Uncertain significance (2); Benign (1); Likely benign (2). Last evaluated 2025-08-29.

Conditions:
Familial thoracic aortic aneurysm and aortic dissection (TAAD). Also called: Thoracic aortic aneurysms and dissections. Identifiers: Orphanet 91387, MedGen C4707243, MONDO:0019625.
Congenital contractural arachnodactyly (CCA). Also called: BEALS SYNDROME; Arthrogryposis, distal, type 9; Beals-Hecht syndrome. Identifiers: Orphanet 115, MedGen C0220668, MONDO:0007363, OMIM 121050.

Allele frequency attached by ClinVar (database versions not stated): gnomAD 0.00003 and 0.00004; TOPMed 0.00003; gnomAD exomes 0.00004; ExAC 0.00005; ESP Exome Variant Server 0.00008.
gnomAD v4.1: 48 of 1,613,004 alleles (0.003%); highest among the groups gnomAD compares: East Asian, 0.0045%; no homozygotes.

Submissions (5):

Labcorp Genetics (formerly Invitae), Labcorp
Classification: Benign for Congenital contractural arachnodactyly. Last evaluated: 2025-08-29. Review status: criteria provided, single submitter. Criteria: Invitae Variant Classification Sherloc (09022015). Collection method: clinical testing. Allele origin: germline.

Laboratory of Genetics, Children's Clinical University Hospital Latvia
Classification: Likely benign. Last evaluated: 2025-02-16. Review status: criteria provided, single submitter. Criteria: ACMG Guidelines, 2015. Collection method: clinical testing. Allele origin: germline. Affected: yes.

GeneDx
Classification: Uncertain significance. Last evaluated: 2023-11-17. Review status: criteria provided, single submitter. Criteria: GeneDx Variant Classification Process June 2021. Collection method: clinical testing. Allele origin: germline. Affected: yes.
Comment: Identified in a patient with thoracic aortic aneurysm and dissection (TAAD) who also harbored a likely pathogenic variant in the LOX gene (PMID: 30675029); In silico analysis supports that this missense variant has a deleterious effect on protein structure/function; Although located in a calcium-binding EGF-like domain of the FBN2 gene, it does not substitute or introduce a cysteine residue (PMID: 19006240, 18767143); This variant is associated with the following publications: (PMID: 19006240, 18767143, 30675029)

Ambry Genetics
Classification: Uncertain significance for Familial thoracic aortic aneurysm and aortic dissection. Last evaluated: 2022-07-21. Review status: criteria provided, single submitter. Criteria: Ambry Variant Classification Scheme 2023. Collection method: clinical testing. Allele origin: germline.
Comment: The p.R788H variant (also known as c.2363G>A), located in coding exon 18 of the FBN2 gene, results from a G to A substitution at nucleotide position 2363. The arginine at codon 788 is replaced by histidine, an amino acid with highly similar properties. This alteration has been reported in a hereditary aortopathy cohort (Renner S et al. Genet Med, 2019 08;21:1832-1841). This amino acid position is well conserved in available vertebrate species. In addition, the in silico prediction for this alteration is inconclusive. Since supporting evidence is limited at this time, the clinical significance of this alteration remains unclear.

PreventionGenetics, part of Exact Sciences
Classification: Likely benign. Review status: criteria provided, single submitter. Criteria: ACMG Guidelines, 2015. Collection method: clinical testing. Allele origin: germline.

Literature cited by the submitters: PubMed 30675029 (cited by Ambry Genetics).